The following is an entry in ClinVar:

ClinVar aggregate classification (germline): Uncertain significance (1 of 4 stars; one submission).

Conditions:
Desmin-related myofibrillar myopathy (MFM1). Also called: Desminopathy; MYOFIBRILLAR MYOPATHY WITH ARRHYTHMOGENIC RIGHT VENTRICULAR CARDIOMYOPATHY; DESMIN-RELATED MYOPATHY WITH ARRHYTHMOGENIC RIGHT VENTRICULAR CARDIOMYOPATHY; Myofibrillar myopathy 1; Desmin related myopathy (former name); Desmin storage myopathy (former name). Identifiers: Orphanet 363543, Orphanet 98909, MedGen C1832370, MONDO:0011076, OMIM 601419.

gnomAD v4.1: 1 of 1,614,076 alleles (0.000062%); highest among the groups gnomAD compares: Non-Finnish European, 0.000085%; no homozygotes.

Submission:

Labcorp Genetics (formerly Invitae), Labcorp
Classification: Uncertain significance for Desmin-related myofibrillar myopathy. Last evaluated: 2018-11-20. Review status: criteria provided, single submitter. Criteria: Invitae Variant Classification Sherloc (09022015). Collection method: clinical testing. Allele origin: germline.
Comment: This sequence change replaces arginine with glycine at codon 355 of the DES protein (p.Arg355Gly). The arginine residue is highly conserved and there is a moderate physicochemical difference between arginine and glycine. This variant is not present in population databases (ExAC no frequency). This variant has not been reported in the literature in individuals with DES-related disease. Algorithms developed to predict the effect of missense changes on protein structure and function are either unavailable or do not agree on the potential impact of this missense change (SIFT: "Tolerated"; PolyPhen-2: "Possibly Damaging"; Align-GVGD: "Class C0"). In summary, the available evidence is currently insufficient to determine the role of this variant in disease. Therefore, it has been classified as a Variant of Uncertain Significance.

NM_001927.4(DES):c.1063C>G (p.Arg355Gly)

Gene: DES (desmin; plus strand). Cytogenetic location: 2q35.
Variant type: single nucleotide variant.
Coding change: c.1063C>G on transcript NM_001927.4 (MANE Select); coding-DNA position 1063, C replaced by G.
Protein change: p.Arg355Gly; replaces arginine 355 with glycine.
Molecular consequence: missense variant.
Genome position (GRCh38, 1-based): chr2:219,421,379, C>G. VCF-style: chr2-219421379-C-G. GRCh37 (hg19) VCF-style: chr2-220286101-C-G.
Other names: c.1063C>G (LRG_380t1); short protein forms R355G.
Identifiers: ClinVar variation 640511 (VCV000640511.9), dbSNP rs762808690, ClinGen allele CA350693919.